The following is an entry in ClinVar:

NM_022089.4(ATP13A2):c.716C>T (p.Pro239Leu)

Gene: ATP13A2 (ATPase cation transporting 13A2; minus strand). Cytogenetic location: 1p36.13.
Variant type: single nucleotide variant.
Coding change: c.716C>T on transcript NM_022089.4 (MANE Select); coding-DNA position 716, C replaced by T.
Protein change: p.Pro239Leu; replaces proline 239 with leucine.
Molecular consequence: missense variant.
Genome position (GRCh38, 1-based): chr1:17,000,524, G>A on the plus strand (C>T on the coding strand, the complement: ATP13A2 is on the minus strand). VCF-style: chr1-17000524-G-A. GRCh37 (hg19) VCF-style: chr1-17327019-G-A.
Other names: c.701C>T, p.Pro234Leu (NM_001141973.3, NM_001141974.3); short protein forms P234L, P239L.
Identifiers: ClinVar variation 2105018 (VCV002105018.4), dbSNP rs2524039618, ClinGen allele CA338258794.

ClinVar aggregate classification (germline): Uncertain significance (1 of 4 stars; one submission).

Conditions:
Autosomal recessive spastic paraplegia type 78. Identifiers: Orphanet 513436, MedGen C5567893, MONDO:0014975, OMIM 617225.
Kufor-Rakeb syndrome (KRS). Also called: PARKINSON DISEASE 9, AUTOSOMAL RECESSIVE, JUVENILE-ONSET. Identifiers: Orphanet 306674, Orphanet 314632, MedGen C1847640, MONDO:0011706, OMIM 606693.

Allele frequency attached by ClinVar (database versions not stated): gnomAD exomes below 0.00001.
gnomAD v4.1: 3 of 1,613,962 alleles (0.00019%); highest among the groups gnomAD compares: South Asian, 0.0011%; no homozygotes.

Submission:

Labcorp Genetics (formerly Invitae), Labcorp
Classification: Uncertain significance for Kufor-Rakeb syndrome; Autosomal recessive spastic paraplegia type 78. Last evaluated: 2024-10-22. Review status: criteria provided, single submitter. Criteria: Invitae Variant Classification Sherloc (09022015). Collection method: clinical testing. Allele origin: germline.
Comment: This sequence change replaces proline, which is neutral and non-polar, with leucine, which is neutral and non-polar, at codon 239 of the ATP13A2 protein (p.Pro239Leu). This variant is not present in population databases (gnomAD no frequency). This variant has not been reported in the literature in individuals affected with ATP13A2-related conditions. ClinVar contains an entry for this variant (Variation ID: 2105018). Invitae Evidence Modeling of protein sequence and biophysical properties (such as structural, functional, and spatial information, amino acid conservation, physicochemical variation, residue mobility, and thermodynamic stability) indicates that this missense variant is not expected to disrupt ATP13A2 protein function with a negative predictive value of 80%. In summary, the available evidence is currently insufficient to determine the role of this variant in disease. Therefore, it has been classified as a Variant of Uncertain Significance.